The following is an entry in ClinVar:

ClinVar aggregate classification (germline): Likely pathogenic (1 of 4 stars; one submission).

Conditions:
Hyperinsulinemic hypoglycemia, familial, 1 (HHF1). Also called: HYPERINSULINISM, FAMILIAL, WITH PANCREATIC NESIDIOBLASTOSIS; HYPOGLYCEMIA, HYPERINSULINEMIC, OF INFANCY; NESIDIOBLASTOSIS OF PANCREAS; Persistent hyperinsulinemic hypoglycemia of infancy; Persistent Hyperinsulinemia Hypoglycemia of Infancy. Identifiers: Orphanet 276575, Orphanet 276598, MedGen C2931832, MONDO:0009734, OMIM 256450.

Submission:

Myriad Genetics, Inc.
Classification: Likely pathogenic for Hyperinsulinemic hypoglycemia, familial, 1. Last evaluated: 2022-03-02. Review status: criteria provided, single submitter. Criteria: Myriad Women's Health Autosomal Recessive and X-Linked Classification Criteria (2021). Collection method: clinical testing. Allele origin: unknown.
Comment: NM_000352.3(ABCC8):c.480_481ins19(A161Rfs*4) is expected to be pathogenic in the context of familial hyperinsulinism, ABCC8-related. This variant is predicted to lead to an abnormal or absent protein product due to the creation of a premature termination codon in ABCC8, a gene where loss-of-function variants are known to be pathogenic. Please note: this variant was assessed in the context of healthy population screening.

NM_000352.6(ABCC8):c.480_481insAGATGTGTATAAGAGACAG (p.Ala161delinsArgCysValTer)

Gene: ABCC8 (ATP binding cassette subfamily C member 8; minus strand). Cytogenetic location: 11p15.1.
Variant type: Insertion.
Coding change: c.480_481insAGATGTGTATAAGAGACAG on transcript NM_000352.6 (MANE Select); coding-DNA positions 480 to 481, AGATGTGTATAAGAGACAG inserted.
Protein change: p.Ala161delinsArgCysValTer.
Molecular consequence: nonsense. On other transcripts: non-coding transcript variant (1).
Genome position: GRCh38 VCF-style: chr11-17463536-C-CCTGTCTCTTATACACATCT. GRCh37 (hg19) VCF-style: chr11-17485083-C-CCTGTCTCTTATACACATCT.
Other names: c.480_481insAGATGTGTATAAGAGACAG, p.Ala161delinsArgCysValTer (NM_001287174.3, NM_001351295.2, NM_001351296.2 and 1 more transcripts).
Identifiers: ClinVar variation 1724908 (VCV001724908.2), dbSNP rs2496865274, ClinGen allele CA2580082820.